The following is an entry in ClinVar:

ClinVar aggregate classification (germline): Uncertain significance. Review status: criteria provided, multiple submitters, no conflicts (2 of 4 stars). 3 submissions from 3 submitters: Uncertain significance (2). 1 of the submissions does not count toward it. Last evaluated 2025-10-30.

Conditions:
Infantile-onset ascending hereditary spastic paralysis (IAHSP). Also called: Infantile-Onset Ascending Hereditary Spastic Paralysis (IAHSP); Autosomal Recessive Juvenile Amyotrophic Lateral Sclerosis. Identifiers: Orphanet 293168, MedGen C2931441, MONDO:0011797, OMIM 607225. Disease mechanism: loss of function.
Microcephaly. Also called: Microcephaly (disease). Identifiers: MedGen C4551563, MONDO:0001149, HP:0000252.
ALS2-related motor neuron disease. Identifiers: MedGen CN323278, MONDO:0100227.

Allele frequency attached by ClinVar (database versions not stated): gnomAD 0.00001 and 0.00002; ExAC 0.00002; gnomAD exomes 0.00002 and 0.00003; TOPMed 0.00002; 1000 Genomes Project 30x 0.00031; 1000 Genomes Project 0.00040.
gnomAD v4.1: 41 of 1,614,164 alleles (0.0025%); highest among the groups gnomAD compares: Non-Finnish European, 0.0033%; no homozygotes.

Submissions (3):

Labcorp Genetics (formerly Invitae), Labcorp
Classification: Uncertain significance for Infantile-onset ascending hereditary spastic paralysis. Last evaluated: 2025-10-30. Review status: criteria provided, single submitter. Criteria: Invitae Variant Classification Sherloc (09022015). Collection method: clinical testing. Allele origin: germline.
Comment: This sequence change replaces isoleucine, which is neutral and non-polar, with threonine, which is neutral and polar, at codon 1624 of the ALS2 protein (p.Ile1624Thr). This variant is present in population databases (rs189412622, gnomAD 0.01%). This missense change has been observed in individual(s) with clinical features of ALS2-related conditions (internal data). In at least one individual the data is consistent with being in trans (on the opposite chromosome) from a pathogenic variant. ClinVar contains an entry for this variant (Variation ID: 813696). Invitae Evidence Modeling of protein sequence and biophysical properties (such as structural, functional, and spatial information, amino acid conservation, physicochemical variation, residue mobility, and thermodynamic stability) indicates that this missense variant is expected to disrupt ALS2 protein function with a positive predictive value of 80%. In summary, the available evidence is currently insufficient to determine the role of this variant in disease. Therefore, it has been classified as a Variant of Uncertain Significance.

Department of Pathology and Laboratory Medicine, Sinai Health System
Classification: Uncertain significance for ALS2-related motor neuron disease. Last evaluated: 2022-02-01. Review status: criteria provided, single submitter. Criteria: ACMG Guidelines, 2015. Collection method: research. Allele origin: germline.

Department of Pediatrics, Samsung Medical Center, Samsung Medical Center
Classification: Uncertain significance for Microcephaly. Review status: no assertion criteria provided. Criteria: ACMG Guidelines, 2015. Collection method: research. Allele origin: germline. Affected: yes. Not counted in ClinVar's aggregate classification.

NM_020919.4(ALS2):c.4871T>C (p.Ile1624Thr)

Gene: ALS2 (alsin Rho guanine nucleotide exchange factor ALS2; minus strand). Cytogenetic location: 2q33.1.
Variant type: single nucleotide variant.
Coding change: c.4871T>C on transcript NM_020919.4 (MANE Select); coding-DNA position 4871, T replaced by C.
Protein change: p.Ile1624Thr; replaces isoleucine 1624 with threonine.
Molecular consequence: missense variant.
Genome position (GRCh38, 1-based): chr2:201,704,186, A>G on the plus strand (T>C on the coding strand, the complement: ALS2 is on the minus strand). VCF-style: chr2-201704186-A-G. GRCh37 (hg19) VCF-style: chr2-202568909-A-G.
Other names: short protein forms I1624T.
Identifiers: ClinVar variation 813696 (VCV000813696.8), dbSNP rs189412622, ClinGen allele CA2057461.